The following is an entry in ClinVar:

NM_013339.4(ALG6):c.657del (p.Phe219fs)

Gene: ALG6 (ALG6 alpha-1,3-glucosyltransferase; plus strand). Cytogenetic location: 1p31.3.
Variant type: Deletion.
Coding change: c.657del on transcript NM_013339.4 (MANE Select); coding-DNA position 657, one base deleted (T; older notation c.657delT).
Protein change: p.Phe219fs; shifts the reading frame from phenylalanine 219.
Molecular consequence: frameshift variant.
Genome position (GRCh38, 1-based): chr1:63,411,308, T deleted; the last of 4 consecutive T bases (chr1:63,411,305-63,411,308); deleting any one gives the same sequence. VCF-style (leftmost placement, unchanged base first): chr1-63411304-GT-G. GRCh37 (hg19) VCF-style: chr1-63876975-GT-G.
Other names: short protein forms F219fs.
Identifiers: ClinVar variation 1725423 (VCV001725423.2), dbSNP rs2523748367, ClinGen allele CA2580063195.

ClinVar aggregate classification (germline): Likely pathogenic (1 of 4 stars; one submission).

Conditions:
ALG6-congenital disorder of glycosylation 1C (CDG1C). Also called: Congenital disorder of glycosylation, type Ic; Congenital disorder of glycosylation type 1C; CDG Ic; CARBOHYDRATE-DEFICIENT GLYCOPROTEIN SYNDROME, TYPE I, WITH DEFICIENT GLYCOSYLATION OF DOLICHOL-LINKED OLIGOSACCHARIDE; CARBOHYDRATE-DEFICIENT GLYCOPROTEIN SYNDROME, TYPE V. Identifiers: Orphanet 79320, MedGen C2930997, MONDO:0011291, OMIM 603147.

Submission:

Myriad Genetics, Inc.
Classification: Likely pathogenic for ALG6-congenital disorder of glycosylation 1C. Last evaluated: 2022-03-20. Review status: criteria provided, single submitter. Criteria: Myriad Women's Health Autosomal Recessive and X-Linked Classification Criteria (2021). Collection method: clinical testing. Allele origin: unknown.
Comment: NM_013339.3(ALG6):c.657delT(F219Lfs*13) is expected to be pathogenic in the context of congenital disorder of glycosylation type Ic. This variant is predicted to lead to an abnormal or absent protein product due to the creation of a premature termination codon in ALG6, a gene where loss-of-function variants are known to be pathogenic. Please note: this variant was assessed in the context of healthy population screening.